The following is an entry in ClinVar:

NM_001270.4(CHD1):c.4194A>G (p.Glu1398=)

Gene: CHD1 (chromodomain helicase DNA binding protein 1; minus strand). Cytogenetic location: 5q15.
Variant type: single nucleotide variant.
Coding change: c.4194A>G on transcript NM_001270.4 (MANE Select); coding-DNA position 4194, A replaced by G.
Protein change: p.Glu1398=; no amino-acid change (glutamic acid 1398 retained).
Molecular consequence: synonymous variant. On other transcripts: non-coding transcript variant (2).
Genome position (GRCh38, 1-based): chr5:98,868,549, T>C on the plus strand (A>G on the coding strand, the complement: CHD1 is on the minus strand). VCF-style: chr5-98868549-T-C. GRCh37 (hg19) VCF-style: chr5-98204253-T-C.
Other names: c.4458A>G, p.Glu1486= (NM_001364113.3); c.4194A>G, p.Glu1398= (NM_001376194.2).
Identifiers: ClinVar variation 2655608 (VCV002655608.24), dbSNP rs1422644968, ClinGen allele CA445531189.

ClinVar aggregate classification (germline): Likely benign (1 of 4 stars; one submission).

Allele frequency attached by ClinVar (database versions not stated): gnomAD exomes below 0.00001; TOPMed below 0.00001; gnomAD 0.00001.

Submission:

CeGaT Center for Human Genetics Tuebingen
Classification: Likely benign. Last evaluated: 2023-09-01. Review status: criteria provided, single submitter. Criteria: CeGaT Center For Human Genetics Tuebingen Variant Classification Criteria Version 2. Collection method: clinical testing. Allele origin: germline. Affected: yes. Observed: 1 variant allele.
Comment: CHD1: BP4, BP7